The following is an entry in ClinVar:

ClinVar aggregate classification (germline): Likely benign. Review status: criteria provided, multiple submitters, no conflicts (2 of 4 stars). 3 submissions from 3 submitters: Likely benign (2). 1 of the submissions does not count toward it. Last evaluated 2026-04-01.

Conditions:
MYOD1-related disorder. Also called: MYOD1-related condition.

Allele frequency attached by ClinVar (database versions not stated): 1000 Genomes Project 30x 0.00047; 1000 Genomes Project 0.00060; gnomAD exomes 0.00078 and 0.00159; gnomAD 0.00086; ESP Exome Variant Server 0.00101; ExAC 0.00110; TOPMed 0.00114.
gnomAD v4.1: 2,463 of 1,604,564 alleles (0.15%); highest among the groups gnomAD compares: Non-Finnish European, 0.19%; 2 homozygotes.

Submissions (3):

CeGaT Center for Human Genetics Tuebingen
Classification: Likely benign. Last evaluated: 2026-04-01. Review status: criteria provided, single submitter. Criteria: CeGaT Center For Human Genetics Tuebingen Variant Classification Criteria Version 2. Collection method: clinical testing. Allele origin: germline. Affected: yes. Observed: 4 variant alleles.
Comment: MYOD1: BP4, BP7

Labcorp Genetics (formerly Invitae), Labcorp
Classification: Likely benign. Last evaluated: 2019-12-31. Review status: criteria provided, single submitter. Criteria: Invitae Variant Classification Sherloc (09022015). Collection method: clinical testing. Allele origin: germline.

PreventionGenetics, part of Exact Sciences
Classification: Likely benign for MYOD1-related condition. Last evaluated: 2019-04-25. Review status: no assertion criteria provided. Collection method: clinical testing. Allele origin: germline. Not counted in ClinVar's aggregate classification.
Comment: This variant is classified as likely benign based on ACMG/AMP sequence variant interpretation guidelines (Richards et al. 2015 PMID: 25741868, with internal and published modifications).

NM_002478.5(MYOD1):c.219G>A (p.Pro73=)

Gene: MYOD1 (myogenic differentiation 1; plus strand). Cytogenetic location: 11p15.1.
Variant type: single nucleotide variant.
Coding change: c.219G>A on transcript NM_002478.5 (MANE Select); coding-DNA position 219, G replaced by A.
Protein change: p.Pro73=; no amino-acid change (proline 73 retained).
Molecular consequence: synonymous variant.
Genome position (GRCh38, 1-based): chr11:17,720,001, G>A. VCF-style: chr11-17720001-G-A. GRCh37 (hg19) VCF-style: chr11-17741548-G-A.
Identifiers: ClinVar variation 788828 (VCV000788828.29), dbSNP rs373565128, ClinGen allele CA5906412.